The following is an entry in ClinVar:

NM_007325.5(GRIA3):c.1786C>A (p.Pro596Thr)

Gene: GRIA3 (glutamate ionotropic receptor AMPA type subunit 3; plus strand). Cytogenetic location: Xq25.
Variant type: single nucleotide variant.
Coding change: c.1786C>A on transcript NM_007325.5 (MANE Select); coding-DNA position 1786, C replaced by A.
Protein change: p.Pro596Thr; replaces proline 596 with threonine.
Molecular consequence: missense variant.
Genome position (GRCh38, 1-based): chrX:123,417,687, C>A. VCF-style: chrX-123417687-C-A. GRCh37 (hg19) VCF-style: chrX-122551538-C-A.
Other names: c.1786C>A, p.Pro596Thr (NM_000828.5); short protein forms P596T.
Identifiers: ClinVar variation 2905729 (VCV002905729.3), dbSNP rs375541932, ClinGen allele CA10507093.

ClinVar aggregate classification (germline): Uncertain significance (1 of 4 stars; one submission).

Allele frequency attached by ClinVar (database versions not stated): gnomAD exomes below 0.00001; ESP Exome Variant Server 0.00009; TOPMed below 0.00001; ExAC 0.00001; gnomAD 0.00001.
gnomAD v4.1: 4 of 1,166,785 alleles (0.00034%); highest among the groups gnomAD compares: Non-Finnish European, 0.00046%; no homozygotes.

Submission:

Labcorp Genetics (formerly Invitae), Labcorp
Classification: Uncertain significance. Last evaluated: 2025-04-23. Review status: criteria provided, single submitter. Criteria: Invitae Variant Classification Sherloc (09022015). Collection method: clinical testing. Allele origin: germline.
Comment: This sequence change replaces proline, which is neutral and non-polar, with threonine, which is neutral and polar, at codon 596 of the GRIA3 protein (p.Pro596Thr). The frequency data for this variant in the population databases is considered unreliable, as metrics indicate poor data quality at this position in the gnomAD database. This variant has not been reported in the literature in individuals affected with GRIA3-related conditions. ClinVar contains an entry for this variant (Variation ID: 2905729). An algorithm developed to predict the effect of missense changes on protein structure and function (PolyPhen-2) suggests that this variant is likely to be disruptive. In summary, the available evidence is currently insufficient to determine the role of this variant in disease. Therefore, it has been classified as a Variant of Uncertain Significance.